The following is an entry in ClinVar:

ClinVar aggregate classification (germline): Uncertain significance (1 of 4 stars; one submission).

gnomAD v4.1: 3 of 1,611,904 alleles (0.00019%); highest among the groups gnomAD compares: Non-Finnish European, 0.00025%; 1 homozygote.

Submission:

Labcorp Genetics (formerly Invitae), Labcorp
Classification: Uncertain significance. Last evaluated: 2025-10-25. Review status: criteria provided, single submitter. Criteria: Invitae Variant Classification Sherloc (09022015). Collection method: clinical testing. Allele origin: germline.
Comment: This sequence change replaces serine, which is neutral and polar, with threonine, which is neutral and polar, at codon 468 of the RASGRP1 protein (p.Ser468Thr). This variant is present in population databases (no rsID available, gnomAD 0.003%), including at least one homozygous and/or hemizygous individual. This variant has not been reported in the literature in individuals affected with RASGRP1-related conditions. Invitae Evidence Modeling of protein sequence and biophysical properties (such as structural, functional, and spatial information, amino acid conservation, physicochemical variation, residue mobility, and thermodynamic stability) indicates that this missense variant is not expected to disrupt RASGRP1 protein function with a negative predictive value of 80%. In summary, the available evidence is currently insufficient to determine the role of this variant in disease. Therefore, it has been classified as a Variant of Uncertain Significance.

NM_005739.4(RASGRP1):c.1403G>C (p.Ser468Thr)

Gene: RASGRP1 (RAS guanyl releasing protein 1; minus strand). Cytogenetic location: 15q14.
Variant type: single nucleotide variant.
Coding change: c.1403G>C on transcript NM_005739.4 (MANE Select); coding-DNA position 1403, G replaced by C.
Protein change: p.Ser468Thr; replaces serine 468 with threonine.
Molecular consequence: missense variant. On other transcripts: intron variant (2).
Genome position (GRCh38, 1-based): chr15:38,503,297, C>G on the plus strand (G>C on the coding strand, the complement: RASGRP1 is on the minus strand). VCF-style: chr15-38503297-C-G. GRCh37 (hg19) VCF-style: chr15-38795498-C-G.
Other names: c.1324-876G>C (NM_001306086.2, NM_001128602.2); short protein forms S468T.
Identifiers: ClinVar variation 4771683 (VCV004771683.1).
Genomic context (GRCh38, chr15:38,503,297, plus strand): 5'-CCTAGTTTTTGTGTGCTGAACACAGCTGTACTTACATCCACCATCCTCTGGACGTGTTTG[C>G]TAATGGTTTTTGGATCAGGTTTGGGAGACACTCCAGAAGCCCAGTCCACTACTACTGGTG-3'
Protein context (NP_005730.2, residues 458-478): VSPKPDPKTI[Ser468Thr]KHVQRMVDSV